The following is an entry in ClinVar:

ClinVar aggregate classification (germline): Uncertain significance. Review status: criteria provided, multiple submitters, no conflicts (2 of 4 stars). 2 submissions from 2 submitters: Uncertain significance (2). Last evaluated 2025-08-27.

Conditions:
Inborn genetic diseases. Identifiers: MedGen C0950123, MeSH D030342.

Submissions (2):

Ambry Genetics
Classification: Uncertain significance for Inborn genetic diseases. Last evaluated: 2025-08-27. Review status: criteria provided, single submitter. Criteria: Ambry Variant Classification Scheme 2023. Collection method: clinical testing. Allele origin: germline.

Labcorp Genetics (formerly Invitae), Labcorp
Classification: Uncertain significance. Last evaluated: 2023-12-28. Review status: criteria provided, single submitter. Criteria: Invitae Variant Classification Sherloc (09022015). Collection method: clinical testing. Allele origin: germline.
Comment: This sequence change replaces alanine, which is neutral and non-polar, with valine, which is neutral and non-polar, at codon 465 of the ITGB3 protein (p.Ala465Val). This variant is not present in population databases (gnomAD no frequency). This variant has not been reported in the literature in individuals affected with ITGB3-related conditions. Advanced modeling of protein sequence and biophysical properties (such as structural, functional, and spatial information, amino acid conservation, physicochemical variation, residue mobility, and thermodynamic stability) performed at Invitae indicates that this missense variant is not expected to disrupt ITGB3 protein function with a negative predictive value of 80%. In summary, the available evidence is currently insufficient to determine the role of this variant in disease. Therefore, it has been classified as a Variant of Uncertain Significance.

NM_000212.3(ITGB3):c.1394C>T (p.Ala465Val)

Gene: ITGB3 (integrin subunit beta 3; plus strand). Cytogenetic location: 17q21.32.
Variant type: single nucleotide variant.
Coding change: c.1394C>T on transcript NM_000212.3 (MANE Select); coding-DNA position 1394, C replaced by T.
Protein change: p.Ala465Val; replaces alanine 465 with valine.
Molecular consequence: missense variant.
Genome position (GRCh38, 1-based): chr17:47,292,272, C>T. VCF-style: chr17-47292272-C-T. GRCh37 (hg19) VCF-style: chr17-45369638-C-T.
Other names: short protein forms A465V.
Identifiers: ClinVar variation 2989612 (VCV002989612.4), dbSNP rs2547619062, ClinGen allele CA400029088.